The following is an entry in ClinVar:

NM_000046.5(ARSB):c.960C>A (p.Ser320Arg)

Gene: ARSB (arylsulfatase B; minus strand). Cytogenetic location: 5q14.1.
Variant type: single nucleotide variant.
Coding change: c.960C>A on transcript NM_000046.5 (MANE Select); coding-DNA position 960, C replaced by A.
Protein change: p.Ser320Arg; replaces serine 320 with arginine.
Molecular consequence: missense variant.
Genome position (GRCh38, 1-based): chr5:78,885,766, G>T on the plus strand (C>A on the coding strand, the complement: ARSB is on the minus strand). VCF-style: chr5-78885766-G-T. GRCh37 (hg19) VCF-style: chr5-78181589-G-T.
Other names: c.960C>A, p.Ser320Arg (NM_198709.3); short protein forms S320R.
Identifiers: ClinVar variation 4061450 (VCV004061450.2).

ClinVar aggregate classification (germline): Likely pathogenic (1 of 4 stars; one submission).

Conditions:
Mucopolysaccharidosis type 6 (MPS6). Also called: ARSB DEFICIENCY; ARYLSULFATASE B DEFICIENCY; MPS VI; N-ACETYLGALACTOSAMINE-4-SULFATASE DEFICIENCY; MPS 6; Maroteaux Lamy syndrome. Identifiers: Orphanet 583, MedGen C0026709, MONDO:0009661, OMIM 253200.

Submission:

Natera, Inc.
Classification: Likely pathogenic for Mucopolysaccharidosis type VI. Last evaluated: 2025-01-29. Review status: criteria provided, single submitter. Criteria: Natera Variant Classification Schema (03/2026). Collection method: clinical testing. Allele origin: germline.
Comment: The c.960C>A variant in ARSB is a missense variant predicted to cause substitution of serine to arginine at amino acid 320. This variant is rare in the general population with a frequency below the threshold expected for the associated phenotype(s). Another variant at this same site results in an alteration predicted to cause a similar molecular effect has been observed in individual(s) with the associated phenotype. Computational prediction algorithms indicate this variant is likely to affect gene or protein function. Given the available evidence, this variant is classified as Likely Pathogenic.